The following is an entry in ClinVar:

ClinVar aggregate classification (germline): Uncertain significance. Review status: criteria provided, multiple submitters, no conflicts (2 of 4 stars). 2 submissions from 2 submitters: Uncertain significance (2). Last evaluated 2023-02-20.

Conditions:
Developmental and epileptic encephalopathy 94 (DEE94). Also called: CHD2-Related Neurodevelopmental Disorders; Epileptic encephalopathy, childhood-onset. Identifiers: Orphanet 1942, Orphanet 2382, MedGen C3809278, MONDO:0014150, OMIM 615369.

Submissions (2):

Labcorp Genetics (formerly Invitae), Labcorp
Classification: Uncertain significance for Developmental and epileptic encephalopathy 94. Last evaluated: 2023-02-20. Review status: criteria provided, single submitter. Criteria: Invitae Variant Classification Sherloc (09022015). Collection method: clinical testing. Allele origin: germline.
Comment: This variant is not present in population databases (gnomAD no frequency). This sequence change replaces glutamine, which is neutral and polar, with glutamic acid, which is acidic and polar, at codon 1523 of the CHD2 protein (p.Gln1523Glu). This variant has not been reported in the literature in individuals affected with CHD2-related conditions. ClinVar contains an entry for this variant (Variation ID: 1014600). Advanced modeling of protein sequence and biophysical properties (such as structural, functional, and spatial information, amino acid conservation, physicochemical variation, residue mobility, and thermodynamic stability) performed at Invitae indicates that this missense variant is not expected to disrupt CHD2 protein function. In summary, the available evidence is currently insufficient to determine the role of this variant in disease. Therefore, it has been classified as a Variant of Uncertain Significance.

GeneDx
Classification: Uncertain significance. Last evaluated: 2019-05-03. Review status: criteria provided, single submitter. Criteria: GeneDx Variant Classification Process June 2021. Collection method: clinical testing. Allele origin: germline. Affected: yes.
Comment: Not observed in large population cohorts (Lek et al., 2016); In silico analysis, which includes protein predictors and evolutionary conservation, supports that this variant does not alter protein structure/function; Has not been previously published as pathogenic or benign to our knowledge

NM_001271.4(CHD2):c.4567C>G (p.Gln1523Glu)

Gene: CHD2 (chromodomain helicase DNA binding protein 2; plus strand). Cytogenetic location: 15q26.1.
Variant type: single nucleotide variant.
Coding change: c.4567C>G on transcript NM_001271.4 (MANE Select); coding-DNA position 4567, C replaced by G.
Protein change: p.Gln1523Glu; replaces glutamine 1523 with glutamic acid.
Molecular consequence: missense variant.
Genome position (GRCh38, 1-based): chr15:93,009,298, C>G. VCF-style: chr15-93009298-C-G. GRCh37 (hg19) VCF-style: chr15-93552528-C-G.
Other names: short protein forms Q1523E.
Identifiers: ClinVar variation 1014600 (VCV001014600.10), dbSNP rs372786805, ClinGen allele CA393904670.